The following is an entry in ClinVar:

NM_004310.5(RHOH):c.415C>G (p.Leu139Val)

Gene: RHOH (ras homolog family member H; plus strand). Cytogenetic location: 4p14.
Variant type: single nucleotide variant.
Coding change: c.415C>G on transcript NM_004310.5 (MANE Select); coding-DNA position 415, C replaced by G.
Protein change: p.Leu139Val; replaces leucine 139 with valine.
Molecular consequence: missense variant.
Genome position (GRCh38, 1-based): chr4:40,243,801, C>G. VCF-style: chr4-40243801-C-G. GRCh37 (hg19) VCF-style: chr4-40245421-C-G.
Other names: c.415C>G, p.Leu139Val (NM_001278360.2, NM_001278361.2, NM_001278362.2 and 8 more transcripts); short protein forms L139V.
Identifiers: ClinVar variation 2816124 (VCV002816124.3), dbSNP rs1486441608, ClinGen allele CA356782560.
Genomic context (GRCh38, chr4:40,243,801, plus strand): 5'-GACCAGCGGGAGATGGGGCCCCACAGGGCCTCCTGCGTCAATGCCATGGAAGGGAAGAAA[C>G]TGGCCCAGGATGTCAGAGCCAAGGGCTACCTGGAGTGCTCAGCCCTTAGCAATCGGGGAG-3'
Protein context (NP_004301.1, residues 129-149): SCVNAMEGKK[Leu139Val]AQDVRAKGYL

ClinVar aggregate classification (germline): Uncertain significance (1 of 4 stars; one submission).

Conditions:
T-cell immunodeficiency with epidermodysplasia verruciformis. Identifiers: Orphanet 324294, MedGen C4749500, MONDO:0017925.

gnomAD v4.1: 2 of 1,614,140 alleles (0.00012%); highest among the groups gnomAD compares: Non-Finnish European, 0.00017%; no homozygotes.

Submission:

Labcorp Genetics (formerly Invitae), Labcorp
Classification: Uncertain significance for T-cell immunodeficiency with epidermodysplasia verruciformis. Last evaluated: 2024-10-16. Review status: criteria provided, single submitter. Criteria: Invitae Variant Classification Sherloc (09022015). Collection method: clinical testing. Allele origin: germline.
Comment: This sequence change replaces leucine, which is neutral and non-polar, with valine, which is neutral and non-polar, at codon 139 of the RHOH protein (p.Leu139Val). This variant is not present in population databases (gnomAD no frequency). This variant has not been reported in the literature in individuals affected with RHOH-related conditions. An algorithm developed to predict the effect of missense changes on protein structure and function (PolyPhen-2) suggests that this variant is likely to be tolerated. In summary, the available evidence is currently insufficient to determine the role of this variant in disease. Therefore, it has been classified as a Variant of Uncertain Significance.